The following is an entry in ClinVar:

ClinVar aggregate classification (germline): Conflicting classifications of pathogenicity. Review status: criteria provided, conflicting classifications (1 of 4 stars). 5 submissions from 5 submitters: Uncertain significance (2); Benign (1); Likely benign (1). 1 of the submissions does not count toward it. Last evaluated 2025-08-29.

Conditions:
MBD5-related disorder. Also called: MBD5-related condition.
Inborn genetic diseases. Identifiers: MedGen C0950123, MeSH D030342.
Intellectual developmental disorder, autosomal dominant 1. Also called: MBD5 Haploinsufficiency; Intellectual disability, autosomal dominant 1. Identifiers: Orphanet 228402, MedGen C1969562, MONDO:0007974, OMIM 156200.

Allele frequency attached by ClinVar (database versions not stated): ExAC 0.00008; gnomAD exomes 0.00008 and 0.00010; gnomAD 0.00010 and 0.00011; TOPMed 0.00011.
gnomAD v4.1: 157 of 1,613,866 alleles (0.0097%); highest among the groups gnomAD compares: Admixed American, 0.015%; no homozygotes.

Submissions (5):

Labcorp Genetics (formerly Invitae), Labcorp
Classification: Benign for Intellectual developmental disorder, autosomal dominant 1. Last evaluated: 2025-08-29. Review status: criteria provided, single submitter. Criteria: Invitae Variant Classification Sherloc (09022015). Collection method: clinical testing. Allele origin: germline.

GeneDx
Classification: Likely benign. Last evaluated: 2020-03-11. Review status: criteria provided, single submitter. Criteria: GeneDx Variant Classification Process June 2021. Collection method: clinical testing. Allele origin: germline. Affected: yes.

Ambry Genetics
Classification: Uncertain significance for Inborn genetic diseases. Last evaluated: 2017-01-05. Review status: criteria provided, single submitter. Criteria: Ambry Variant Classification Scheme 2023. Collection method: clinical testing. Allele origin: germline.
Comment: The p.H760R variant (also known as c.2279A>G), located in coding exon 4 of the MBD5 gene, results from an A to G substitution at nucleotide position 2279. The histidine at codon 760 is replaced by arginine, an amino acid with highly similar properties. This amino acid position is well conserved in available vertebrate species. In addition, this alteration is predicted to be tolerated by in silico analysis. Since supporting evidence is limited at this time, the clinical significance of this variant remains unclear.

Eurofins Ntd Llc (ga)
Classification: Uncertain significance. Last evaluated: 2015-04-21. Review status: criteria provided, single submitter. Criteria: EGL Classification Definitions 2015. Collection method: clinical testing. Allele origin: germline. Observed: 1 variant allele, 1 heterozygote.

PreventionGenetics, part of Exact Sciences
Classification: Likely benign for MBD5-related condition. Last evaluated: 2023-06-06. Review status: no assertion criteria provided. Collection method: clinical testing. Allele origin: germline. Not counted in ClinVar's aggregate classification.
Comment: This variant is classified as likely benign based on ACMG/AMP sequence variant interpretation guidelines (Richards et al. 2015 PMID: 25741868, with internal and published modifications).

NM_001378120.1(MBD5):c.2279A>G (p.His760Arg)

Gene: MBD5 (methyl-CpG binding domain protein 5; plus strand). Cytogenetic location: 2q23.1.
Variant type: single nucleotide variant.
Coding change: c.2279A>G on transcript NM_001378120.1 (MANE Select); coding-DNA position 2279, A replaced by G.
Protein change: p.His760Arg; replaces histidine 760 with arginine.
Molecular consequence: missense variant.
Genome position (GRCh38, 1-based): chr2:148,470,222, A>G. VCF-style: chr2-148470222-A-G. GRCh37 (hg19) VCF-style: chr2-149227791-A-G.
Other names: c.2279A>G, p.His760Arg (NM_018328.5); short protein forms H760R.
Identifiers: ClinVar variation 199146 (VCV000199146.25), dbSNP rs763275881, ClinGen allele CA248191.